The following is an entry in ClinVar:

NM_175875.5(SIX5):c.1868C>G (p.Pro623Arg)

Gene: SIX5 (SIX homeobox 5; minus strand). Cytogenetic location: 19q13.32.
Variant type: single nucleotide variant.
Coding change: c.1868C>G on transcript NM_175875.5 (MANE Select); coding-DNA position 1868, C replaced by G.
Protein change: p.Pro623Arg; replaces proline 623 with arginine.
Molecular consequence: missense variant.
Genome position (GRCh38, 1-based): chr19:45,765,853, G>C on the plus strand (C>G on the coding strand, the complement: SIX5 is on the minus strand). VCF-style: chr19-45765853-G-C. GRCh37 (hg19) VCF-style: chr19-46269111-G-C.
Other names: short protein forms P623R.
Identifiers: ClinVar variation 4990373 (VCV004990373.1).

ClinVar aggregate classification (germline): Uncertain significance (1 of 4 stars; one submission).

Conditions:
SIX5-related disorder. Also called: SIX5-related condition.

Submission:

PreventionGenetics, part of Exact Sciences
Classification: Uncertain significance for SIX5-related condition. Last evaluated: 2025-10-02. Review status: criteria provided, single submitter. Criteria: ACMG Guidelines, 2015. Collection method: clinical testing. Allele origin: germline.
Comment: The SIX5 c.1868C>G variant is predicted to result in the amino acid substitution p.Pro623Arg. To our knowledge, this variant has not been reported in the literature or in a large population database (gnomAD), indicating this variant is rare. At this time, the clinical significance of this variant is uncertain due to the absence of conclusive functional and genetic evidence.